The following is an entry in ClinVar:

NM_004168.4(SDHA):c.896-5dup

Gene: SDHA (succinate dehydrogenase complex flavoprotein subunit A; plus strand). Cytogenetic location: 5p15.33.
Variant type: Duplication.
Coding change: c.896-5dup on transcript NM_004168.4 (MANE Select); 5 bases into the intron before coding-DNA position 896, one base duplicated (T; older notation c.896-5dupT).
Molecular consequence: intron variant.
Genome position (GRCh38, 1-based): chr5:233,472, T duplicated; the last of 6 consecutive T bases (chr5:233,467-233,472); duplicating any one gives the same sequence. VCF-style (leftmost placement, unchanged base first): chr5-233466-G-GT. GRCh37 (hg19) VCF-style: chr5-233581-G-GT.
Other names: c.896-5dup (NM_001330758.2); c.752-5dup (NM_001294332.2); c.896-5dupT (NM_004168.2).
Identifiers: ClinVar variation 3904369 (VCV003904369.3).
Genomic context (GRCh38, chr5:233,466, plus strand): 5'-TGAAAAAAATAATGCATTTGAAATAGAGATCTAGCAATTGTTAGGTAATAAATATGTGTG[G>GT]TTTTTTGCAGGCATATATGGTGCTGGTTGTCTCATTACGGAAGGATGTCGTGGAGAGGGA-3'

ClinVar aggregate classification (germline): Likely benign. Review status: criteria provided, multiple submitters, no conflicts (2 of 4 stars). 3 submissions from 3 submitters: Likely benign (3). Last evaluated 2025-10-10.

Conditions:
Hereditary cancer-predisposing syndrome. Also called: Neoplastic Syndromes, Hereditary; Tumor predisposition; Hereditary Cancer Syndrome; Hereditary neoplastic syndrome. Identifiers: Orphanet 140162, MedGen C0027672, MeSH D009386, MONDO:0015356.
Pheochromocytoma/paraganglioma syndrome 5. Also called: Paragangliomas 5; SDHA-Related Hereditary Paraganglioma-Pheochromocytoma Syndrome. Identifiers: Orphanet 29072, MedGen C3279992, MONDO:0013602, OMIM 614165.

Submissions (3):

Ambry Genetics
Classification: Likely benign for Hereditary cancer-predisposing syndrome. Last evaluated: 2025-10-10. Review status: criteria provided, single submitter. Criteria: Ambry Variant Classification Scheme 2023. Collection method: clinical testing. Allele origin: germline.

Myriad Genetics, Inc.
Classification: Likely benign for Pheochromocytoma/paraganglioma syndrome 5. Last evaluated: 2025-03-04. Review status: criteria provided, single submitter. Criteria: Myriad Autosomal Dominant, Autosomal Recessive and X-Linked Classification Criteria (2023). Collection method: clinical testing. Allele origin: unknown.
Comment: This variant is considered likely benign. This variant is intronic and is not expected to impact mRNA splicing.

Blueprint Genetics
Classification: Likely benign. Last evaluated: 2020-08-13. Review status: criteria provided, single submitter. Criteria: ACMG Guidelines, 2015. Collection method: clinical testing. Allele origin: germline.